The following is an entry in ClinVar:

ClinVar aggregate classification (germline): Uncertain significance. Review status: criteria provided, multiple submitters, no conflicts (2 of 4 stars). 2 submissions from 2 submitters: Uncertain significance (2). Last evaluated 2025-12-14.

Conditions:
Ataxia-telangiectasia syndrome (AT). Also called: Ataxia-telangiectasia, complementation group D; AT, COMPLEMENTATION GROUP C; ATAXIA-TELANGIECTASIA, COMPLEMENTATION GROUP A; ATAXIA-TELANGIECTASIA, FRESNO VARIANT; Ataxia-telangiectasia; LOUIS-BAR SYNDROME. Identifiers: Orphanet 100, MedGen C0004135, MONDO:0008840, OMIM 208900.
Hereditary cancer-predisposing syndrome. Also called: Tumor predisposition; Hereditary neoplastic syndrome; Neoplastic Syndromes, Hereditary; Hereditary Cancer Syndrome. Identifiers: Orphanet 140162, MedGen C0027672, MeSH D009386, MONDO:0015356.

Submissions (2):

Labcorp Genetics (formerly Invitae), Labcorp
Classification: Uncertain significance for Ataxia-telangiectasia syndrome. Last evaluated: 2025-12-14. Review status: criteria provided, single submitter. Criteria: Invitae Variant Classification Sherloc (09022015). Collection method: clinical testing. Allele origin: germline.
Comment: This sequence change falls in intron 40 of the ATM gene. It does not directly change the encoded amino acid sequence of the ATM protein. It affects a nucleotide within the consensus splice site. This variant is not present in population databases (gnomAD no frequency). This variant has not been reported in the literature in individuals affected with ATM-related conditions. ClinVar contains an entry for this variant (Variation ID: 631214). Variants that disrupt the consensus splice site are a relatively common cause of aberrant splicing (PMID: 17576681, 9536098). Algorithms developed to predict the effect of sequence changes on RNA splicing suggest that this variant is not likely to affect RNA splicing. In summary, the available evidence is currently insufficient to determine the role of this variant in disease. Therefore, it has been classified as a Variant of Uncertain Significance.

Color Diagnostics, LLC DBA Color Health
Classification: Uncertain significance for Hereditary cancer-predisposing syndrome. Last evaluated: 2018-07-21. Review status: criteria provided, single submitter. Criteria: ACMG Guidelines, 2015. Collection method: clinical testing. Allele origin: germline.

Literature cited by the submitters: PubMed 17576681 (cited by Labcorp Genetics (formerly Invitae), Labcorp); PubMed 9536098 (cited by Labcorp Genetics (formerly Invitae), Labcorp).

NM_000051.4(ATM):c.6006+6T>C

Genes: ATM (ATM serine/threonine kinase; plus strand), C11orf65 (chromosome 11 open reading frame 65; minus strand). Cytogenetic location: 11q22.3.
Variant type: single nucleotide variant.
Coding change: c.6006+6T>C on transcript NM_000051.4 (MANE Select); 6 bases into the intron after coding-DNA position 6006, T replaced by C.
Molecular consequence: intron variant.
Genome position (GRCh38, 1-based): chr11:108,312,504, T>C. VCF-style: chr11-108312504-T-C. GRCh37 (hg19) VCF-style: chr11-108183231-T-C.
Other names: c.6006+6T>C (NM_001351834.2); c.641-3433A>G (NM_001330368.2); c.*39-3433A>G (NM_001351110.2).
Identifiers: ClinVar variation 631214 (VCV000631214.12), dbSNP rs1565493858, ClinGen allele CA913188502.